The following is an entry in ClinVar:

ClinVar aggregate classification (germline): Uncertain significance. Review status: criteria provided, multiple submitters, no conflicts (2 of 4 stars). 5 submissions from 5 submitters: Uncertain significance (5). Last evaluated 2026-01-07.

Conditions:
Hereditary pheochromocytoma and paraganglioma. Also called: Hereditary pheochromocytoma-paraganglioma; Hereditary paragangliomas and pheochromocytomas; Hereditary Paraganglioma-Pheochromocytoma Syndromes. Identifiers: Orphanet 29072, MedGen C4274332, MONDO:0017366.
Hereditary cancer-predisposing syndrome. Also called: Hereditary Cancer Syndrome; Tumor predisposition; Neoplastic Syndromes, Hereditary; Hereditary neoplastic syndrome. Identifiers: Orphanet 140162, MedGen C0027672, MeSH D009386, MONDO:0015356.

Allele frequency attached by ClinVar (database versions not stated): gnomAD 0.00001; gnomAD exomes 0.00001.
gnomAD v4.1: 17 of 1,614,226 alleles (0.0011%); highest among the groups gnomAD compares: Middle Eastern, 0.016%; no homozygotes.

Submissions (5):

Labcorp Genetics (formerly Invitae), Labcorp
Classification: Uncertain significance for Hereditary pheochromocytoma and paraganglioma. Last evaluated: 2026-01-07. Review status: criteria provided, single submitter. Criteria: Invitae Variant Classification Sherloc (09022015). Collection method: clinical testing. Allele origin: germline.
Comment: This sequence change replaces tyrosine, which is neutral and polar, with histidine, which is basic and polar, at codon 35 of the SDHAF2 protein (p.Tyr35His). This variant is not present in population databases (gnomAD no frequency). This variant has not been reported in the literature in individuals affected with SDHAF2-related conditions. ClinVar contains an entry for this variant (Variation ID: 840116). An algorithm developed to predict the effect of missense changes on protein structure and function (PolyPhen-2) suggests that this variant is likely to be tolerated. In summary, the available evidence is currently insufficient to determine the role of this variant in disease. Therefore, it has been classified as a Variant of Uncertain Significance.

GeneDx
Classification: Uncertain significance. Last evaluated: 2024-09-10. Review status: criteria provided, single submitter. Criteria: GeneDx Variant Classification Process June 2021. Collection method: clinical testing. Allele origin: germline. Affected: yes.
Comment: Not observed at significant frequency in large population cohorts (gnomAD); In silico analysis indicates that this missense variant does not alter protein structure/function; Has not been previously published as pathogenic or benign to our knowledge

Ambry Genetics
Classification: Uncertain significance for Hereditary cancer-predisposing syndrome. Last evaluated: 2024-08-22. Review status: criteria provided, single submitter. Criteria: Ambry Variant Classification Scheme 2023. Collection method: clinical testing. Allele origin: germline.
Comment: The p.Y35H variant (also known as c.103T>C), located in coding exon 2 of the SDHAF2 gene, results from a T to C substitution at nucleotide position 103. The tyrosine at codon 35 is replaced by histidine, an amino acid with similar properties. This amino acid position is highly conserved in available vertebrate species. In addition, this alteration is predicted to be tolerated by in silico analysis. Since supporting evidence is limited at this time, the clinical significance of this alteration remains unclear.

All of Us Research Program, National Institutes of Health
Classification: Uncertain significance for Hereditary pheochromocytoma and paraganglioma. Last evaluated: 2024-07-10. Review status: criteria provided, single submitter. Criteria: ACMG Guidelines, 2015. Collection method: clinical testing. Allele origin: germline. Inheritance: Autosomal dominant inheritance. Observed: 3 variant alleles, 3 heterozygotes.
Comment: This missense variant replaces tyrosine with histidine at codon 35 of the SDHAF2 protein. Computational prediction suggests that this variant may not impact protein structure and function (internally defined REVEL score threshold <= 0.5, PMID: 27666373). To our knowledge, functional studies have not been reported for this variant. This variant has not been reported in individuals affected with SDHAF2-related disorders in the literature. This variant has not been identified in the general population by the Genome Aggregation Database (gnomAD). The available evidence is insufficient to determine the role of this variant in disease conclusively. Therefore, this variant is classified as a Variant of Uncertain Significance.

This study involves interpretation of variants in research participants for the purpose of population health screening. Participant phenotype was not available at the time of variant classification. Additional details can be found in publication PMID: 35346344, PMCID: PMC8962531

Quest Diagnostics Nichols Institute San Juan Capistrano
Classification: Uncertain significance. Last evaluated: 2022-10-27. Review status: criteria provided, single submitter. Criteria: Quest Diagnostics criteria. Collection method: clinical testing. Allele origin: unknown.
Comment: The variant has not been reported in the published literature. The frequency of this variant in the general population, 0.0000066 (1/152220 chromosomes), is uninformative in assessment of its pathogenicity. Analysis of this variant using bioinformatics tools for the prediction of the effect of amino acid changes on protein structure and function yielded conflicting predictions that this variant is benign or damaging. Based on the available information, we are unable to determine the clinical significance of this variant.

NM_017841.4(SDHAF2):c.103T>C (p.Tyr35His)

Gene: SDHAF2 (succinate dehydrogenase complex assembly factor 2; plus strand). Cytogenetic location: 11q12.2.
Variant type: single nucleotide variant.
Coding change: c.103T>C on transcript NM_017841.4 (MANE Select); coding-DNA position 103, T replaced by C.
Protein change: p.Tyr35His; replaces tyrosine 35 with histidine.
Molecular consequence: missense variant.
Genome position (GRCh38, 1-based): chr11:61,437,691, T>C. VCF-style: chr11-61437691-T-C. GRCh37 (hg19) VCF-style: chr11-61205163-T-C.
Other names: short protein forms Y35H.
Identifiers: ClinVar variation 840116 (VCV000840116.15), dbSNP rs1590764776, ClinGen allele CA380683065.